The following is an entry in ClinVar:

NM_001379659.1(ZNF142):c.851A>G (p.Gln284Arg)

Gene: ZNF142 (zinc finger protein 142; minus strand). Cytogenetic location: 2q35.
Variant type: single nucleotide variant.
Coding change: c.851A>G on transcript NM_001379659.1 (MANE Select); coding-DNA position 851, A replaced by G.
Protein change: p.Gln284Arg; replaces glutamine 284 with arginine.
Molecular consequence: missense variant. On other transcripts: intron variant (3).
Genome position (GRCh38, 1-based): chr2:218,651,730, T>C on the plus strand (A>G on the coding strand, the complement: ZNF142 is on the minus strand). VCF-style: chr2-218651730-T-C. GRCh37 (hg19) VCF-style: chr2-219516453-T-C.
Other names: c.-239A>G (NM_001366287.3, NM_001366288.3, NM_001366289.3); c.851A>G, p.Gln284Arg (NM_001366290.3, NM_001379660.1, NM_001379661.1); c.281-1204A>G (NM_001379662.1, NM_001105537.4, NM_001366291.2); short protein forms Q284R.
Identifiers: ClinVar variation 3731511 (VCV003731511.1).

ClinVar aggregate classification (germline): Uncertain significance (1 of 4 stars; one submission).

Conditions:
Neurodevelopmental disorder with impaired speech and hyperkinetic movements. Identifiers: MedGen C5193088, MONDO:0032741, OMIM 618425.

Submission:

Neuberg Centre For Genomic Medicine, NCGM
Classification: Uncertain significance for Neurodevelopmental disorder with impaired speech and hyperkinetic movements. Last evaluated: 2023-06-22. Review status: criteria provided, single submitter. Criteria: ACMG Guidelines, 2015. Collection method: clinical testing. Allele origin: germline. Inheritance: Autosomal recessive inheritance. Affected: yes.
Comment: The missense c.851A>G(p.Gln284Arg) variant in ZNF142 gene has not been reported previously as a pathogenic variant nor as a benign variant, to our knowledge. The p.Gln284Arg variant is absent in gnomAD Exomes. This variant has not been submitted to the ClinVar database. Computational evidence (MutationTaster - Tolerated ) predicts no damaging effect on protein structure and function for this variant. The amino acid Gln at position 284 is changed to a Arg changing protein sequence and it might alter its composition and physico-chemical properties. For these reasons, this variant has been classified as a Variant of Uncertain Significance (VUS).